The following is an entry in ClinVar:

NM_138711.6(PPARG):c.184G>A (p.Asp62Asn)

Gene: PPARG (peroxisome proliferator activated receptor gamma; plus strand). Cytogenetic location: 3p25.2.
Variant type: single nucleotide variant.
Coding change: c.184G>A on transcript NM_138711.6 (MANE Select); coding-DNA position 184, G replaced by A.
Protein change: p.Asp62Asn; replaces aspartic acid 62 with asparagine.
Molecular consequence: missense variant. On other transcripts: 5 prime UTR variant (1).
Genome position (GRCh38, 1-based): chr3:12,379,895, G>A. VCF-style: chr3-12379895-G-A. GRCh37 (hg19) VCF-style: chr3-12421394-G-A.
Other names: c.184G>A, p.Asp62Asn (NM_001330615.4, NM_001354666.3, NM_001354667.3 and 6 more transcripts); c.274G>A, p.Asp92Asn (NM_001354668.2, NM_001374265.1, NM_015869.5); c.-244G>A (NM_001354669.2); c.190G>A, p.Asp64Asn (NM_001354670.2, NM_001374266.1); short protein forms D62N, D64N, D92N.
Identifiers: ClinVar variation 3351188 (VCV003351188.2).
Genomic context (GRCh38, chr3:12,379,895, plus strand): 5'-AGCATTTCTACTCCACATTACGAAGACATTCCATTCACAAGAACAGATCCAGTGGTTGCA[G>A]ATTACAAGTATGACCTGAAACTTCAAGAGTACCAAAGTATGATGTTTATTTTCACTTTTC-3'
Protein context (NP_619725.3, residues 52-72): PFTRTDPVVA[Asp62Asn]YKYDLKLQEY

ClinVar aggregate classification (germline): Uncertain significance. Review status: criteria provided, single submitter (1 of 4 stars). 2 submissions from 2 submitters: Uncertain significance (1). 1 of the submissions does not count toward it. Last evaluated 2025-06-27.

Conditions:
PPARG-related disorder. Also called: PPARG-related disorders; PPARG-related condition.

gnomAD v4.1: 31 of 1,613,196 alleles (0.0019%); highest among the groups gnomAD compares: Non-Finnish European, 0.0025%; no homozygotes.

Submissions (2):

Labcorp Genetics (formerly Invitae), Labcorp
Classification: Uncertain significance. Last evaluated: 2025-06-27. Review status: criteria provided, single submitter. Criteria: Invitae Variant Classification Sherloc (09022015). Collection method: clinical testing. Allele origin: germline.
Comment: This sequence change replaces aspartic acid, which is acidic and polar, with asparagine, which is neutral and polar, at codon 92 of the PPARG protein (p.Asp92Asn). This variant is present in population databases (rs369959243, gnomAD 0.004%). This missense change has been observed in individual(s) with diabetes and/or dyslipidemia (PMID: 27749844, 36325899). ClinVar contains an entry for this variant (Variation ID: 3351188). Invitae Evidence Modeling of protein sequence and biophysical properties (such as structural, functional, and spatial information, amino acid conservation, physicochemical variation, residue mobility, and thermodynamic stability) indicates that this missense variant is not expected to disrupt PPARG protein function with a negative predictive value of 95%. Experimental studies have shown that this missense change does not substantially affect PPARG function (PMID: 27749844). In summary, the available evidence is currently insufficient to determine the role of this variant in disease. Therefore, it has been classified as a Variant of Uncertain Significance.

PreventionGenetics, part of Exact Sciences
Classification: Uncertain significance for PPARG-related condition. Last evaluated: 2024-08-07. Review status: no assertion criteria provided. Collection method: clinical testing. Allele origin: germline. Not counted in ClinVar's aggregate classification.
Comment: The PPARG c.274G>A variant is predicted to result in the amino acid substitution p.Asp92Asn. This variant was reported in an individual with early onset diabetes but was not considered to be the primary cause of disease due to the indistinguishable protein function compared with wildtype in a reporter assay (Figure 3C and Table S2, Majithia et al. 2016. PubMed ID: 27749844). This variant was also documented as a polygenic risk variant in a case-control study of dyslipidemia (described as p.Asp64Asn in Table S2, Deshotels et al. 2022. PubMed ID: 36325899). This variant is reported in 0.0026% of alleles in individuals of European (Non-Finnish) descent in gnomAD. At this time, the clinical significance of this variant is uncertain due to the absence of conclusive functional and genetic evidence.

Literature cited by the submitters: PubMed 27749844 (cited by Labcorp Genetics (formerly Invitae), Labcorp); PubMed 36325899 (cited by Labcorp Genetics (formerly Invitae), Labcorp).